The following is an entry in ClinVar:

NM_002335.4(LRP5):c.2827C>T (p.Pro943Ser)

Gene: LRP5 (LDL receptor related protein 5; plus strand). Cytogenetic location: 11q13.2.
Variant type: single nucleotide variant.
Coding change: c.2827C>T on transcript NM_002335.4 (MANE Select); coding-DNA position 2827, C replaced by T.
Protein change: p.Pro943Ser; replaces proline 943 with serine.
Molecular consequence: missense variant.
Genome position (GRCh38, 1-based): chr11:68,414,012, C>T. VCF-style: chr11-68414012-C-T. GRCh37 (hg19) VCF-style: chr11-68181480-C-T.
Other names: c.2827C>T (NM_002335.3); c.1084C>T, p.Pro362Ser (NM_001291902.2); short protein forms P362S, P943S.
Identifiers: ClinVar variation 1025464 (VCV001025464.12), dbSNP rs776554205, ClinGen allele CA6149751.
Genomic context (GRCh38, chr11:68,414,012, plus strand): 5'-GGCCACCGCTGCGGCTGCGCCTCACACTACACCCTGGACCCCAGCAGCCGCAACTGCAGC[C>T]GTAAGTGCCTCATGGTCCCCCGCACCTCACTCCCTCGTTAGATCAGGCTGGTTCTGGGAG-3'
Protein context (NP_002326.2, residues 933-953): TLDPSSRNCS[Pro943Ser]PTTFLLFSQK

ClinVar aggregate classification (germline): Uncertain significance. Review status: criteria provided, multiple submitters, no conflicts (2 of 4 stars). 4 submissions from 4 submitters: Uncertain significance (4). Last evaluated 2026-03-26.

Conditions:
LRP5-related disorder. Also called: LRP5-related condition.
Osteoporosis with pseudoglioma (OPPG). Also called: osteoporosis-pseudoglioma syndrome. Identifiers: Orphanet 2788, MedGen C0432252, MONDO:0009820, OMIM 259770.
Exudative vitreoretinopathy 1 (EVR1). Also called: CRISWICK-SCHEPENS SYNDROME; FEVR, AUTOSOMAL DOMINANT; Familial exudative vitreoretinopathy, autosomal dominant. Identifiers: Orphanet 891, Orphanet 90050, MedGen C1851402, MONDO:0007589, OMIM 133780.
Polycystic liver disease 4 with or without kidney cysts. Identifiers: MedGen C4693479, MONDO:0044327, OMIM 617875.
Autosomal dominant osteopetrosis 1 (OPTA1). Also called: OSTEOPETROSIS, AUTOSOMAL DOMINANT, TYPE I. Identifiers: Orphanet 2783, MedGen C1843330, MONDO:0011877, OMIM 607634.
Exudative vitreoretinopathy 4 (EVR4). Identifiers: Orphanet 891, MedGen C1866176, MONDO:0011151, OMIM 601813.
Worth disease. Also called: Autosomal dominant osteosclerosis, Worth type; ENDOSTEAL HYPEROSTOSIS, AUTOSOMAL DOMINANT; OSTEOSCLEROSIS, AUTOSOMAL DOMINANT. Identifiers: Orphanet 2790, MedGen C0432273, MONDO:0007764, OMIM 144750.
Bone mineral density quantitative trait locus 1 (BMND1). Identifiers: MedGen C1866079, OMIM 601884.
Osteoporosis. Identifiers: MedGen C0029456, MONDO:0005298, OMIM 166710, HP:0000939.

Allele frequency attached by ClinVar (database versions not stated): gnomAD 0.00002 and 0.00003; gnomAD exomes 0.00003 and 0.00006; TOPMed 0.00004; ExAC 0.00007.
gnomAD v4.1: 50 of 1,603,492 alleles (0.0031%); highest among the groups gnomAD compares: East Asian, 0.0045%; no homozygotes.

Submissions (4):

PreventionGenetics, part of Exact Sciences
Classification: Uncertain significance for LRP5-related condition. Last evaluated: 2026-03-26. Review status: criteria provided, single submitter. Criteria: ACMG Guidelines, 2015. Collection method: clinical testing. Allele origin: germline.
Comment: The LRP5 c.2827C>T variant is predicted to result in the amino acid substitution p.Pro943Ser. To our knowledge, this variant has not been reported in the literature. This variant is reported in 0.012% of alleles in individuals of European (Non-Finnish) descent in gnomAD. At this time, the clinical significance of this variant is uncertain due to the absence of conclusive functional and genetic evidence.

Blueprint Genetics
Classification: Uncertain significance. Last evaluated: 2024-09-10. Review status: criteria provided, single submitter. Criteria: ACMG Guidelines, 2015. Collection method: clinical testing. Allele origin: germline.

Labcorp Genetics (formerly Invitae), Labcorp
Classification: Uncertain significance. Last evaluated: 2023-04-12. Review status: criteria provided, single submitter. Criteria: Invitae Variant Classification Sherloc (09022015). Collection method: clinical testing. Allele origin: germline.
Comment: Algorithms developed to predict the effect of missense changes on protein structure and function output the following: SIFT: "Not Available"; PolyPhen-2: "Benign"; Align-GVGD: "Not Available". The serine amino acid residue is found in multiple mammalian species, which suggests that this missense change does not adversely affect protein function. ClinVar contains an entry for this variant (Variation ID: 1025464). This variant has not been reported in the literature in individuals affected with LRP5-related conditions. This variant is present in population databases (rs776554205, gnomAD 0.01%). This sequence change replaces proline, which is neutral and non-polar, with serine, which is neutral and polar, at codon 943 of the LRP5 protein (p.Pro943Ser). In summary, the available evidence is currently insufficient to determine the role of this variant in disease. Therefore, it has been classified as a Variant of Uncertain Significance.

Fulgent Genetics
Classification: Uncertain significance for Exudative vitreoretinopathy 1; Worth disease; Osteoporosis; Osteoporosis with pseudoglioma; Exudative vitreoretinopathy 4; Bone mineral density quantitative trait locus 1; Autosomal dominant osteopetrosis 1; Polycystic liver disease 4 with or without kidney cysts. Last evaluated: 2021-10-06. Review status: criteria provided, single submitter. Criteria: ACMG Guidelines, 2015. Collection method: clinical testing. Allele origin: unknown.